The following is an entry in ClinVar:

NM_003801.4(GPAA1):c.416C>T (p.Ala139Val)

Gene: GPAA1 (glycosylphosphatidylinositol anchor attachment 1; plus strand). Cytogenetic location: 8q24.3.
Variant type: single nucleotide variant.
Coding change: c.416C>T on transcript NM_003801.4 (MANE Select); coding-DNA position 416, C replaced by T.
Protein change: p.Ala139Val; replaces alanine 139 with valine.
Molecular consequence: missense variant.
Genome position (GRCh38, 1-based): chr8:144,083,763, C>T. VCF-style: chr8-144083763-C-T. GRCh37 (hg19) VCF-style: chr8-145138666-C-T.
Other names: short protein forms A139V.
Identifiers: ClinVar variation 1947033 (VCV001947033.5), dbSNP rs1835947280, ClinGen allele CA372598758.
Genomic context (GRCh38, chr8:144,083,763, plus strand): 5'-GCTGCATACAGATGGTGTCGGGCACCAACGTGTACGGCATCCTGCGGGCCCCGCGTGCTG[C>T]CAGCACCGAGTCGCTTGTGCTCACCGTGCCCTGTGGCTCTGACTCTACCAACAGCCAGGC-3'
Protein context (NP_003792.1, residues 129-149): VYGILRAPRA[Ala139Val]STESLVLTVP

ClinVar aggregate classification (germline): Uncertain significance (1 of 4 stars; one submission).

Allele frequency attached by ClinVar (database versions not stated): gnomAD exomes below 0.00001; TOPMed 0.00001.

Submission:

Labcorp Genetics (formerly Invitae), Labcorp
Classification: Uncertain significance. Last evaluated: 2024-10-29. Review status: criteria provided, single submitter. Criteria: Invitae Variant Classification Sherloc (09022015). Collection method: clinical testing. Allele origin: germline.
Comment: This sequence change replaces alanine, which is neutral and non-polar, with valine, which is neutral and non-polar, at codon 139 of the GPAA1 protein (p.Ala139Val). This variant is not present in population databases (gnomAD no frequency). This variant has not been reported in the literature in individuals affected with GPAA1-related conditions. ClinVar contains an entry for this variant (Variation ID: 1947033). Invitae Evidence Modeling of protein sequence and biophysical properties (such as structural, functional, and spatial information, amino acid conservation, physicochemical variation, residue mobility, and thermodynamic stability) indicates that this missense variant is not expected to disrupt GPAA1 protein function with a negative predictive value of 80%. In summary, the available evidence is currently insufficient to determine the role of this variant in disease. Therefore, it has been classified as a Variant of Uncertain Significance.